The following is an entry in ClinVar:

ClinVar aggregate classification (germline): Uncertain significance. Review status: criteria provided, multiple submitters, no conflicts (2 of 4 stars). 3 submissions from 3 submitters: Uncertain significance (3). Last evaluated 2024-01-03.

Conditions:
Hereditary cancer-predisposing syndrome. Also called: Neoplastic Syndromes, Hereditary; Hereditary Cancer Syndrome; Tumor predisposition; Hereditary neoplastic syndrome. Identifiers: Orphanet 140162, MedGen C0027672, MeSH D009386, MONDO:0015356.

Submissions (3):

ARUP Laboratories, Molecular Genetics and Genomics, ARUP Laboratories
Classification: Uncertain significance. Last evaluated: 2024-01-03. Review status: criteria provided, single submitter. Criteria: ARUP Molecular Germline Variant Investigation Process 2024. Collection method: clinical testing. Allele origin: germline.

Ambry Genetics
Classification: Uncertain significance for Hereditary cancer-predisposing syndrome. Last evaluated: 2023-11-10. Review status: criteria provided, single submitter. Criteria: Ambry Variant Classification Scheme 2023. Collection method: clinical testing. Allele origin: germline.
Comment: The p.R2973G variant (also known as c.8917A>G), located in coding exon 61 of the ATM gene, results from an A to G substitution at nucleotide position 8917. The arginine at codon 2973 is replaced by glycine, an amino acid with dissimilar properties. This amino acid position is highly conserved in available vertebrate species. In addition, the in silico prediction for this alteration is inconclusive. Since supporting evidence is limited at this time, the clinical significance of this alteration remains unclear.

Athena Diagnostics
Classification: Uncertain significance. Last evaluated: 2022-09-02. Review status: criteria provided, single submitter. Criteria: Athena Diagnostics Criteria. Collection method: clinical testing. Allele origin: unknown.

NM_000051.4(ATM):c.8917A>G (p.Arg2973Gly)

Genes: ATM (ATM serine/threonine kinase; plus strand), C11orf65 (chromosome 11 open reading frame 65; minus strand). Cytogenetic location: 11q22.3.
Variant type: single nucleotide variant.
Coding change: c.8917A>G on transcript NM_000051.4 (MANE Select); coding-DNA position 8917, A replaced by G.
Protein change: p.Arg2973Gly; replaces arginine 2973 with glycine.
Molecular consequence: missense variant. On other transcripts: intron variant (2).
Genome position (GRCh38, 1-based): chr11:108,365,148, A>G. VCF-style: chr11-108365148-A-G. GRCh37 (hg19) VCF-style: chr11-108235875-A-G.
Other names: c.8917A>G, p.Arg2973Gly (NM_001351834.2); c.640+20772T>C (NM_001330368.2); c.694+20772T>C (NM_001351110.2); short protein forms R2973G.
Identifiers: ClinVar variation 481306 (VCV000481306.9), dbSNP rs1555151352, ClinGen allele CA382529927.
Genomic context (GRCh38, chr11:108,365,148, plus strand): 5'-CTATATGATCCACTCTTTGACTGGACCATGAATCCTTTGAAAGCTTTGTATTTACAGCAG[A>G]GGCCGGAAGATGAAACTGAGCTTCACCCTACTCTGAATGCAGATGACCAAGAATGCAAAC-3'
Protein context (NP_000042.3, residues 2963-2983): NPLKALYLQQ[Arg2973Gly]PEDETELHPT